The following is an entry in ClinVar:

ClinVar aggregate classification (germline): Uncertain significance (1 of 4 stars; one submission).

Conditions:
Cardiovascular phenotype. Identifiers: MedGen CN230736.

Submission:

Ambry Genetics
Classification: Uncertain significance for Cardiovascular phenotype. Last evaluated: 2024-03-15. Review status: criteria provided, single submitter. Criteria: Ambry Variant Classification Scheme 2023. Collection method: clinical testing. Allele origin: germline.
Comment: The p.G281A variant (also known as c.842G>C), located in coding exon 6 of the PCSK9 gene, results from a G to C substitution at nucleotide position 842. The glycine at codon 281 is replaced by alanine, an amino acid with similar properties. This amino acid position is conserved. In addition, this alteration is predicted to be tolerated by in silico analysis. Based on the available evidence, the clinical significance of this alteration remains unclear.

NM_174936.4(PCSK9):c.842G>C (p.Gly281Ala)

Gene: PCSK9 (proprotein convertase subtilisin/kexin type 9; plus strand). Cytogenetic location: 1p32.3.
Variant type: single nucleotide variant.
Coding change: c.842G>C on transcript NM_174936.4 (MANE Select); coding-DNA position 842, G replaced by C.
Protein change: p.Gly281Ala; replaces glycine 281 with alanine.
Molecular consequence: missense variant. On other transcripts: non-coding transcript variant (8).
Genome position (GRCh38, 1-based): chr1:55,056,035, G>C. VCF-style: chr1-55056035-G-C. GRCh37 (hg19) VCF-style: chr1-55521708-G-C.
Other names: c.965G>C, p.Gly322Ala (NM_001407240.1); c.842G>C, p.Gly281Ala (NM_001407241.1, NM_001407244.1, NM_001407247.1); c.845G>C, p.Gly282Ala (NM_001407242.1); c.785G>C, p.Gly262Ala (NM_001407243.1); c.650G>C, p.Gly217Ala (NM_001407245.1); c.467G>C, p.Gly156Ala (NM_001407246.1); short protein forms G262A, G282A, G217A, G281A, G156A, G322A.
Identifiers: ClinVar variation 3305266 (VCV003305266.1).
Genomic context (GRCh38, chr1:55,056,035, plus strand): 5'-TGGCTTTGTTCCTCCCAGGCCTGGAGTTTATTCGGAAAAGCCAGCTGGTCCAGCCTGTGG[G>C]GCCACTGGTGGTGCTGCTGCCCCTGGCGGGTGGGTACAGCCGCGTCCTCAACGCCGCCTG-3'
Protein context (NP_777596.2, residues 271-291): IRKSQLVQPV[Gly281Ala]PLVVLLPLAG